The following is an entry in ClinVar:

NM_002382.5(MAX):c.329A>C (p.Gln110Pro)

Gene: MAX (MYC associated transcriptional regulator X; minus strand). Cytogenetic location: 14q23.3.
Variant type: single nucleotide variant.
Coding change: c.329A>C on transcript NM_002382.5 (MANE Select); coding-DNA position 329, A replaced by C.
Protein change: p.Gln110Pro; replaces glutamine 110 with proline.
Molecular consequence: missense variant. On other transcripts: 3 prime UTR variant (1), intron variant (2).
Genome position (GRCh38, 1-based): chr14:65,076,630, T>G on the plus strand (A>C on the coding strand, the complement: MAX is on the minus strand). VCF-style: chr14-65076630-T-G. GRCh37 (hg19) VCF-style: chr14-65543348-T-G.
Other names: c.140A>C, p.Gln47Pro (NM_001320415.2, NM_001407105.1, NM_001407106.1 and 1 more transcripts); c.329A>C, p.Gln110Pro (NM_001407094.1); c.302A>C, p.Gln101Pro (NM_001407095.1, NM_145112.3); c.*102A>C (NM_001407096.1, NM_001407099.1, NM_001407102.1 and 2 more transcripts); c.*118A>C (NM_001407097.1, NM_001407100.1, NM_001407101.1 and 4 more transcripts); c.221A>C, p.Gln74Pro (NM_001407098.1); c.128A>C, p.Gln43Pro (NM_001407111.1, NM_001407112.1); c.144+17078A>C (NM_001271069.2); and 1 more; short protein forms Q110P, Q101P, Q47P, Q43P, Q74P.
Identifiers: ClinVar variation 239149 (VCV000239149.27), dbSNP rs775808138, ClinGen allele CA7232809.
Genomic context (GRCh38, chr14:65,076,630, plus strand): 5'-GTGCTGCCCTTGGCGTTGGTGTAGAGGCTGTTGTCTGAGGAGGGGTAGTTGGTCTGCAGT[T>G]GGGCACTTGACCTCGCCTTCTCCAGTGCACGGACTAAAAGGCAACCAAGGGAGTGTGTTA-3'
Protein context (NP_002373.3, residues 100-120): RALEKARSSA[Gln110Pro]LQTNYPSSDN

ClinVar aggregate classification (germline): Conflicting classifications of pathogenicity. Review status: criteria provided, conflicting classifications (1 of 4 stars). 8 submissions from 8 submitters: Uncertain significance (6); Likely benign (2). Last evaluated 2026-05-26.

Conditions:
Polydactyly-macrocephaly syndrome (PDMCS). Identifiers: MedGen C5882754, MONDO:0958227, OMIM 620712.
Pheochromocytoma. Also called: MAX-Related Hereditary Paraganglioma-Pheochromocytoma Syndrome. Identifiers: Orphanet 29072, MedGen C0031511, MONDO:0008233, OMIM 171300, HP:0002666.
MAX-related disorder. Also called: MAX-related condition.
Hereditary cancer-predisposing syndrome. Also called: Neoplastic Syndromes, Hereditary; Hereditary neoplastic syndrome; Hereditary Cancer Syndrome; Tumor predisposition. Identifiers: Orphanet 140162, MedGen C0027672, MeSH D009386, MONDO:0015356.
Hereditary pheochromocytoma and paraganglioma. Also called: Hereditary Paraganglioma-Pheochromocytoma Syndromes; Hereditary pheochromocytoma-paraganglioma; Hereditary paragangliomas and pheochromocytomas. Identifiers: Orphanet 29072, MedGen C4274332, MONDO:0017366.

Allele frequency attached by ClinVar (database versions not stated): gnomAD exomes 0.00001 and 0.00007; ExAC 0.00002; gnomAD 0.00002; TOPMed 0.00002.
gnomAD v4.1: 97 of 1,614,028 alleles (0.006%); highest among the groups gnomAD compares: Non-Finnish European, 0.0081%; no homozygotes.

Submissions (8):

PreventionGenetics, part of Exact Sciences
Classification: Uncertain significance for MAX-related condition. Last evaluated: 2026-05-26. Review status: criteria provided, single submitter. Criteria: ACMG Guidelines, 2015. Collection method: clinical testing. Allele origin: germline.
Comment: The MAX c.329A>C variant is predicted to result in the amino acid substitution p.Gln110Pro. To our knowledge, this variant has not been reported in the literature. This variant is reported in 0.0026% of alleles in individuals of European (Non-Finnish) descent in gnomAD. This variant has conflicting interpretations in ClinVar from uncertain significance to likely benign (ClinVar ID: 239149). At this time, the clinical significance of this variant is uncertain due to the absence of conclusive functional and genetic evidence.

Labcorp Genetics (formerly Invitae), Labcorp
Classification: Uncertain significance for Hereditary pheochromocytoma and paraganglioma. Last evaluated: 2026-01-29. Review status: criteria provided, single submitter. Criteria: Invitae Variant Classification Sherloc (09022015). Collection method: clinical testing. Allele origin: germline.
Comment: This sequence change replaces glutamine, which is neutral and polar, with proline, which is neutral and non-polar, at codon 110 of the MAX protein (p.Gln110Pro). This variant is present in population databases (rs775808138, gnomAD 0.004%). This variant has not been reported in the literature in individuals affected with MAX-related conditions. ClinVar contains an entry for this variant (Variation ID: 239149). Invitae Evidence Modeling incorporating data from in vitro experimental studies (internal data) indicates that this missense variant is not expected to disrupt MAX function with a negative predictive value of 95%. In summary, the available evidence is currently insufficient to determine the role of this variant in disease. Therefore, it has been classified as a Variant of Uncertain Significance.

Ambry Genetics
Classification: Likely benign for Hereditary cancer-predisposing syndrome. Last evaluated: 2025-12-02. Review status: criteria provided, single submitter. Criteria: Ambry Variant Classification Scheme 2023. Collection method: clinical testing. Allele origin: germline.

Center for Genomic Medicine, Rigshospitalet, Copenhagen University Hospital
Classification: Uncertain significance. Last evaluated: 2025-03-04. Review status: criteria provided, single submitter. Criteria: ACMG Guidelines, 2015. Collection method: clinical testing. Allele origin: germline.

Fulgent Genetics
Classification: Uncertain significance for Pheochromocytoma; Polydactyly-macrocephaly syndrome. Last evaluated: 2024-05-15. Review status: criteria provided, single submitter. Criteria: ACMG Guidelines, 2015. Collection method: clinical testing. Allele origin: germline.

GeneDx
Classification: Uncertain significance. Last evaluated: 2024-03-01. Review status: criteria provided, single submitter. Criteria: GeneDx Variant Classification Process June 2021. Collection method: clinical testing. Allele origin: germline. Affected: yes.
Comment: Not observed at significant frequency in large population cohorts (gnomAD); In silico analysis supports that this missense variant has a deleterious effect on protein structure/function; Has not been previously published as pathogenic or benign to our knowledge

Baylor Genetics
Classification: Uncertain significance for Pheochromocytoma. Last evaluated: 2023-09-22. Review status: criteria provided, single submitter. Criteria: ACMG Guidelines, 2015. Collection method: clinical testing. Allele origin: unknown.

Illumina Laboratory Services, Illumina
Classification: Likely benign for Pheochromocytoma. Last evaluated: 2018-01-12. Review status: criteria provided, single submitter. Criteria: ICSL Variant Classification Criteria 13 December 2019. Collection method: clinical testing. Allele origin: germline.
Comment: This variant was observed in the ICSL laboratory as part of a predisposition screen in an ostensibly healthy population. It had not been previously curated by ICSL or reported in the Human Gene Mutation Database (HGMD: prior to June 1st, 2018), and was therefore a candidate for classification through an automated scoring system. Utilizing variant allele frequency, disease prevalence and penetrance estimates, and inheritance mode, an automated score was calculated to assess if this variant is too frequent to cause the disease. Based on the score and internal cut-off values, a variant classified as likely benign is not then subjected to further curation. The score for this variant resulted in a classification of likely benign for this disease.